The following is an entry in ClinVar:

NM_018012.4(KIF26B):c.341G>A (p.Gly114Asp)

Genes: KIF26B (kinesin family member 26B; plus strand), LOC129932922 (ATAC-STARR-seq lymphoblastoid silent region 2029; plus strand). Cytogenetic location: 1q44.
Variant type: single nucleotide variant.
Coding change: c.341G>A on transcript NM_018012.4 (MANE Select); coding-DNA position 341, G replaced by A.
Protein change: p.Gly114Asp; replaces glycine 114 with aspartic acid.
Molecular consequence: missense variant.
Genome position (GRCh38, 1-based): chr1:245,156,559, G>A. VCF-style: chr1-245156559-G-A. GRCh37 (hg19) VCF-style: chr1-245319861-G-A.
Other names: short protein forms G114D.
Identifiers: ClinVar variation 3898332 (VCV003898332.7).

ClinVar aggregate classification (germline): Uncertain significance (1 of 4 stars; one submission).

gnomAD v4.1: 436 of 1,532,628 alleles (0.028%); highest among the groups gnomAD compares: Admixed American, 0.12%; no homozygotes.

Submission:

CeGaT Center for Human Genetics Tuebingen
Classification: Uncertain significance. Last evaluated: 2025-04-01. Review status: criteria provided, single submitter. Criteria: CeGaT Center For Human Genetics Tuebingen Variant Classification Criteria Version 2. Collection method: clinical testing. Allele origin: germline. Affected: yes. Observed: 1 variant allele.
Comment: KIF26B: PM2:Supporting, PP3